The following is an entry in ClinVar:

ClinVar aggregate classification (germline): Likely benign (1 of 4 stars; one submission).

Submission:

CeGaT Center for Human Genetics Tuebingen
Classification: Likely benign. Last evaluated: 2026-06-01. Review status: criteria provided, single submitter. Criteria: CeGaT Center For Human Genetics Tuebingen Variant Classification Criteria Version 2. Collection method: clinical testing. Allele origin: germline. Affected: yes. Observed: 1 variant allele.
Comment: TTN: PM2:Supporting, BP4, BP7

NM_001267550.2(TTN):c.11312-3856A>G

Gene: TTN (titin; minus strand). Cytogenetic location: 2q31.2.
Variant type: single nucleotide variant.
Coding change: c.11312-3856A>G on transcript NM_001267550.2 (MANE Select); 3856 bases into the intron before coding-DNA position 11312, A replaced by G.
Molecular consequence: intron variant. On other transcripts: synonymous variant (1).
Genome position (GRCh38, 1-based): chr2:178,745,777, T>C on the plus strand (A>G on the coding strand, the complement: TTN is on the minus strand). VCF-style: chr2-178745777-T-C. GRCh37 (hg19) VCF-style: chr2-179610504-T-C.
Other names: c.16623A>G, p.Pro5541= (NM_133379.5); c.10223-3856A>G (NM_003319.4); c.10799-3856A>G (NM_133437.4); c.10598-3856A>G (NM_133432.3); c.10360+7347A>G (NM_133378.4); c.10361-3856A>G (NM_001256850.1).
Identifiers: ClinVar variation 4873288 (VCV004873288.2).